The following is an entry in ClinVar:

ClinVar aggregate classification (germline): Conflicting classifications of pathogenicity. Review status: criteria provided, conflicting classifications (1 of 4 stars). 3 submissions from 3 submitters: Uncertain significance (2); Likely benign (1). Last evaluated 2025-02-13.

Conditions:
Inborn genetic diseases. Identifiers: MedGen C0950123, MeSH D030342.
MEGF10-related myopathy (CMYO10A). Also called: Congenital myopathy 10A, severe variant. Identifiers: Orphanet 439212, MedGen C3280679, MONDO:0013731, OMIM 614399.

Allele frequency attached by ClinVar (database versions not stated): ExAC 0.00001; gnomAD 0.00001; gnomAD exomes 0.00001; TOPMed 0.00002.
gnomAD v4.1: 11 of 1,613,416 alleles (0.00068%); highest among the groups gnomAD compares: Middle Eastern, 0.016%; no homozygotes.

Submissions (3):

Ambry Genetics
Classification: Uncertain significance for Inborn genetic diseases. Last evaluated: 2025-02-13. Review status: criteria provided, single submitter. Criteria: Ambry Variant Classification Scheme 2023. Collection method: clinical testing. Allele origin: germline.

Labcorp Genetics (formerly Invitae), Labcorp
Classification: Uncertain significance for MEGF10-related myopathy. Last evaluated: 2022-08-15. Review status: criteria provided, single submitter. Criteria: Invitae Variant Classification Sherloc (09022015). Collection method: clinical testing. Allele origin: germline.
Comment: In summary, the available evidence is currently insufficient to determine the role of this variant in disease. Therefore, it has been classified as a Variant of Uncertain Significance. Algorithms developed to predict the effect of missense changes on protein structure and function output the following: SIFT: "Deleterious"; PolyPhen-2: "Benign"; Align-GVGD: "Class C0". The threonine amino acid residue is found in multiple mammalian species, which suggests that this missense change does not adversely affect protein function. ClinVar contains an entry for this variant (Variation ID: 379372). This variant has not been reported in the literature in individuals affected with MEGF10-related conditions. This variant is present in population databases (rs748919606, gnomAD 0.002%). This sequence change replaces isoleucine, which is neutral and non-polar, with threonine, which is neutral and polar, at codon 20 of the MEGF10 protein (p.Ile20Thr).

GeneDx
Classification: Likely benign. Last evaluated: 2015-03-27. Review status: criteria provided, single submitter. Criteria: GeneDx Variant Classification (06012015). Collection method: clinical testing. Allele origin: germline. Affected: yes.
Comment: This variant is considered likely benign or benign based on one or more of the following criteria: it is a conservative change, it occurs at a poorly conserved position in the protein, it is predicted to be benign by multiple in silico algorithms, and/or has population frequency not consistent with disease.

NM_001256545.2(MEGF10):c.59T>C (p.Ile20Thr)

Gene: MEGF10 (multiple EGF like domains 10; plus strand). Cytogenetic location: 5q23.2.
Variant type: single nucleotide variant.
Coding change: c.59T>C on transcript NM_001256545.2 (MANE Select); coding-DNA position 59, T replaced by C.
Protein change: p.Ile20Thr; replaces isoleucine 20 with threonine.
Molecular consequence: missense variant.
Genome position (GRCh38, 1-based): chr5:127,331,367, T>C. VCF-style: chr5-127331367-T-C. GRCh37 (hg19) VCF-style: chr5-126667059-T-C.
Other names: c.59T>C, p.Ile20Thr (NM_001308119.2, NM_001308121.2, NM_032446.3); short protein forms I20T.
Identifiers: ClinVar variation 379372 (VCV000379372.10), dbSNP rs748919606, ClinGen allele CA3391158.
Genomic context (GRCh38, chr5:127,331,367, plus strand): 5'-AAATGGTTATTTCTTTGAACTCATGCCTGAGCTTTATTTGTTTATTGTTATGCCACTGGA[T>C]TGGGACAGCATCACCTCTGAATCTTGAAGACCCTAATGTGTGTAGCCACTGGGAAAGGTA-3'
Protein context (NP_001243474.1, residues 10-30): SFICLLLCHW[Ile20Thr]GTASPLNLED